The following is an entry in ClinVar:

NM_000169.3(GLA):c.59C>T (p.Ala20Val)

Genes: GLA (galactosidase alpha; minus strand), RPL36A-HNRNPH2 (RPL36A-HNRNPH2 readthrough; plus strand). Cytogenetic location: Xq22.1.
Variant type: single nucleotide variant.
Coding change: c.59C>T on transcript NM_000169.3 (MANE Select); coding-DNA position 59, C replaced by T.
Protein change: p.Ala20Val; replaces alanine 20 with valine.
Molecular consequence: missense variant. On other transcripts: non-coding transcript variant (3), intron variant (2).
Genome position (GRCh38, 1-based): chrX:101,407,845, G>A on the plus strand (C>T on the coding strand, the complement: GLA is on the minus strand). VCF-style: chrX-101407845-G-A. GRCh37 (hg19) VCF-style: chrX-100662833-G-A.
Other names: c.59C>T, p.Ala20Val (NM_001406747.1, NM_001406748.1, NM_001406749.1); c.301-4091G>A (NM_001199973.2); c.178-4091G>A (NM_001199974.2); short protein forms A20V.
Identifiers: ClinVar variation 4087344 (VCV004087344.2).
Genomic context (GRCh38, chrX:101,407,845, plus strand): 5'-GGCGTCCTTGCCAATCCATTGTCCAGTGCTCTAGCCCCAGGGATGTCCCAGGAAACGAGG[G>A]CCAGGAAGCGAAGCGCAAGCGCGCAGCCCAGATGTAGTTCTGGGTTCCTCAGCTGCATTG-3'
Protein context (NP_000160.1, residues 10-30): LGCALALRFL[Ala20Val]LVSWDIPGAR

ClinVar aggregate classification (germline): Uncertain significance (1 of 4 stars; one submission).

Conditions:
Fabry disease. Also called: ALPHA-GALACTOSIDASE A DEFICIENCY; ANDERSON-FABRY DISEASE; CERAMIDE TRIHEXOSIDASE DEFICIENCY; GLA DEFICIENCY; HEREDITARY DYSTOPIC LIPIDOSIS; Angiokeratoma corporis diffusum. Identifiers: Orphanet 324, MedGen C0002986, MONDO:0010526, OMIM 301500, HP:0001071. Disease mechanism: Fabry disease is due to inactivating mutations in the X-linked GLA gene resulting in deficiency of the enzyme Alpha Galactosidase-A., loss of function.

Submission:

Genomenon, Inc
Classification: Uncertain significance for Fabry disease. Last evaluated: 2026-09-08. Review status: criteria provided, single submitter. Criteria: Genomenon Sequence Variant Interpretation Standards - Updated. Collection method: curation. Allele origin: germline. Affected: no.
Comment: GLA p.Ala20Val (c.59C>T) is a missense variant that changes the amino acid at codon 20 from Alanine to Valine. This variant has been reported in the published literature (PMID:27657681). It is absent or not present at a significant frequency in gnomAD. In silico models predict that this variant is not damaging. In conclusion, we classify GLA p.Ala20Val (c.59C>T) as a variant of uncertain significance.

Literature cited by the submitters: PubMed 27657681.